The following is an entry in ClinVar:

NM_004628.5(XPC):c.1240C>T (p.Gln414Ter)

Gene: XPC (XPC complex subunit, DNA damage recognition and repair factor; minus strand). Cytogenetic location: 3p25.1.
Variant type: single nucleotide variant.
Coding change: c.1240C>T on transcript NM_004628.5 (MANE Select); coding-DNA position 1240, C replaced by T.
Protein change: p.Gln414Ter; replaces glutamine 414 with a stop codon.
Molecular consequence: nonsense. On other transcripts: non-coding transcript variant (2).
Genome position (GRCh38, 1-based): chr3:14,158,643, G>A on the plus strand (C>T on the coding strand, the complement: XPC is on the minus strand). VCF-style: chr3-14158643-G-A. GRCh37 (hg19) VCF-style: chr3-14200143-G-A.
Other names: c.661C>T, p.Gln221Ter (NM_001354726.2); c.1240C>T, p.Gln414Ter (NM_001354727.2, NM_001354730.2); c.1222C>T, p.Gln408Ter (NM_001354729.2); short protein forms Q221*, Q408*, Q414*.
Identifiers: ClinVar variation 5003536 (VCV005003536.1).

ClinVar aggregate classification (germline): Pathogenic (1 of 4 stars; one submission).

Conditions:
Xeroderma pigmentosum, group C (XPC). Also called: Xeroderma pigmentosum, complementation group C; XERODERMA PIGMENTOSUM III; XP, GROUP C; XPC-Related Xeroderma Pigmentosum. Identifiers: Orphanet 910, MedGen C2752147, MONDO:0010211, OMIM 278720.

Submission:

Myriad Genetics, Inc.
Classification: Pathogenic for Xeroderma pigmentosum, group C. Last evaluated: 2025-10-13. Review status: criteria provided, single submitter. Criteria: Myriad Autosomal Dominant, Autosomal Recessive and X-Linked Classification Criteria (2023). Collection method: clinical testing. Allele origin: unknown.
Comment: NM_004628.4(XPC):c.1240C>T(Q414*) is a nonsense variant classified as pathogenic in the context of xeroderma pigmentosum group C. Q414* has not been observed in cases with relevant disease. Relevant functional assessments of this variant are not available in the literature. Q414* has not been observed in referenced population frequency databases. In summary, NM_004628.4(XPC):c.1240C>T(Q414*) is a nonsense variant in a gene where loss of function is a known mechanism of disease and is predicted to disrupt protein function. Please note: this variant was assessed in the context of healthy population screening.